The following is an entry in ClinVar:

NM_021870.3(FGG):c.785T>A (p.Ile262Lys)

Gene: FGG (fibrinogen gamma chain; minus strand). Cytogenetic location: 4q32.1.
Variant type: single nucleotide variant.
Coding change: c.785T>A on transcript NM_021870.3 (MANE Select); coding-DNA position 785, T replaced by A.
Protein change: p.Ile262Lys; replaces isoleucine 262 with lysine.
Molecular consequence: missense variant.
Genome position (GRCh38, 1-based): chr4:154,608,532, A>T on the plus strand (T>A on the coding strand, the complement: FGG is on the minus strand). VCF-style: chr4-154608532-A-T. GRCh37 (hg19) VCF-style: chr4-155529684-A-T.
Other names: c.785T>A, p.Ile262Lys (NM_000509.6); short protein forms I262K.
Identifiers: ClinVar variation 2633108 (VCV002633108.1), dbSNP rs1363396777, ClinGen allele CA358536313.

ClinVar aggregate classification (germline): Uncertain significance (1 of 4 stars; one submission).

Conditions:
FGG-related disorder. Also called: FGG-related condition.

Submission:

PreventionGenetics, part of Exact Sciences
Classification: Uncertain significance for FGG-related condition. Last evaluated: 2023-05-09. Review status: criteria provided, single submitter. Criteria: ACMG Guidelines, 2015. Collection method: clinical testing. Allele origin: germline.
Comment: The FGG c.785T>A variant is predicted to result in the amino acid substitution p.Ile262Lys. To our knowledge, this variant has not been reported in the literature or in a large population database, indicating this variant is rare. At this time, the clinical significance of this variant is uncertain due to the absence of conclusive functional and genetic evidence.